The following is an entry in ClinVar:

ClinVar aggregate classification (germline): Likely pathogenic (1 of 4 stars; one submission).

Conditions:
Metaphyseal chondrodysplasia, McKusick type (CHH). Also called: Cartilage-hair hypoplasia; Cartilage-Hair Hypoplasia (CHH). Identifiers: Orphanet 175, MedGen C0220748, MONDO:0009595, OMIM 250250.

Submission:

Natera, Inc.
Classification: Likely pathogenic for Cartilage-hair hypoplasia. Last evaluated: 2024-10-08. Review status: criteria provided, single submitter. Criteria: Natera Variant Classification Schema (03/2026). Collection method: clinical testing. Allele origin: germline.
Comment: The n.-5delGinsAATACTACTCTGTGAAGCTGAGA variant in RMRP is an insertion affecting the RMRP promoter region between the TATA box and the transcription initiation site. Other duplications and insertions just upstream of the transcription initiation site have been reported in individuals affected with cartilage-hair hypoplasia (PMID: 11207361, 17937437). This variant is rare in the general population with a frequency below the threshold expected for the associated phenotype(s). Given the available evidence, this variant is classified as Likely pathogenic.

Literature cited by the submitters: PubMed 11207361; PubMed 17937437.

NR_003051.3(RMRP):n.-5delGinsAATACTACTCTGTGAAGCTGAGA

Gene: RMRP (RNA component of mitochondrial RNA processing endoribonuclease; minus strand). Cytogenetic location: 9p13.3.
Variant type: Indel.
Genome position: GRCh38 VCF-style: chr9-35658023-C-TCTCAGCTTCACAGAGTAGTATT. GRCh37 (hg19) VCF-style: chr9-35658020-C-TCTCAGCTTCACAGAGTAGTATT.
Identifiers: ClinVar variation 4817190 (VCV004817190.1).